The following is an entry in ClinVar:

ClinVar aggregate classification (germline): Uncertain significance (1 of 4 stars; one submission).

gnomAD v4.1: 11 of 1,573,544 alleles (0.0007%); highest among the groups gnomAD compares: Non-Finnish European, 0.00095%; no homozygotes.

Submission:

Ambry Genetics
Classification: Uncertain significance. Last evaluated: 2025-04-07. Review status: criteria provided, single submitter. Criteria: Ambry Variant Classification Scheme 2023. Collection method: clinical testing. Allele origin: germline.
Comment: The p.D627E variant (also known as c.1881C>G), located in coding exon 8 of the WNK2 gene, results from a C to G substitution at nucleotide position 1881. The aspartic acid at codon 627 is replaced by glutamic acid, an amino acid with highly similar properties. This amino acid position is conserved. In addition, this alteration is predicted to be tolerated by in silico analysis. Based on the available evidence, the clinical significance of this variant remains unclear.

NM_006648.4(WNK2):c.1881C>G (p.Asp627Glu)

Gene: WNK2 (WNK lysine deficient protein kinase 2; plus strand). Cytogenetic location: 9q22.31.
Variant type: single nucleotide variant.
Coding change: c.1881C>G on transcript NM_006648.4 (MANE Select); coding-DNA position 1881, C replaced by G.
Protein change: p.Asp627Glu; replaces aspartic acid 627 with glutamic acid.
Molecular consequence: missense variant.
Genome position (GRCh38, 1-based): chr9:93,252,929, C>G. VCF-style: chr9-93252929-C-G. GRCh37 (hg19) VCF-style: chr9-96015211-C-G.
Other names: c.1881C>G, p.Asp627Glu (NM_001282394.3); short protein forms D627E.
Identifiers: ClinVar variation 3981833 (VCV003981833.1).